The following is an entry in ClinVar:

ClinVar aggregate classification (germline): Uncertain significance (1 of 4 stars; one submission).

gnomAD v4.1: 1 of 1,595,948 alleles (0.000063%); highest among the groups gnomAD compares: Non-Finnish European, 0.000086%; no homozygotes.

Submission:

GeneDx
Classification: Uncertain significance. Last evaluated: 2019-09-13. Review status: criteria provided, single submitter. Criteria: GeneDx Variant Classification Process June 2021. Collection method: clinical testing. Allele origin: germline. Affected: yes.
Comment: Has not been previously published as pathogenic or benign to our knowledge; Not observed in large population cohorts (Lek et al., 2016); In silico analysis, which includes protein predictors and evolutionary conservation, supports that this variant does not alter protein structure/function; Does not affect a cysteine residue within a calcium-binding EGF-like domain of the FBN2 gene; cysteine substitutions in the calcium-binding EGF-like domains represent the majority of pathogenic missense changes associated with FBN2-related disorders (Collod-Beroud et al., 2003; Frederic et al., 2009)

NM_001999.4(FBN2):c.6497A>G (p.His2166Arg)

Gene: FBN2 (fibrillin 2; minus strand). Cytogenetic location: 5q23.3.
Variant type: single nucleotide variant.
Coding change: c.6497A>G on transcript NM_001999.4 (MANE Select); coding-DNA position 6497, A replaced by G.
Protein change: p.His2166Arg; replaces histidine 2166 with arginine.
Molecular consequence: missense variant.
Genome position (GRCh38, 1-based): chr5:128,289,896, T>C on the plus strand (A>G on the coding strand, the complement: FBN2 is on the minus strand). VCF-style: chr5-128289896-T-C. GRCh37 (hg19) VCF-style: chr5-127625588-T-C.
Other names: short protein forms H2166R.
Identifiers: ClinVar variation 1307879 (VCV001307879.2), dbSNP rs1388581442, ClinGen allele CA360761583.